The following is an entry in ClinVar:

NM_017636.4(TRPM4):c.3472G>C (p.Ala1158Pro)

Gene: TRPM4 (transient receptor potential cation channel subfamily M member 4; plus strand). Cytogenetic location: 19q13.33.
Variant type: single nucleotide variant.
Coding change: c.3472G>C on transcript NM_017636.4 (MANE Select); coding-DNA position 3472, G replaced by C.
Protein change: p.Ala1158Pro; replaces alanine 1158 with proline.
Molecular consequence: missense variant.
Genome position (GRCh38, 1-based): chr19:49,211,025, G>C. VCF-style: chr19-49211025-G-C. GRCh37 (hg19) VCF-style: chr19-49714282-G-C.
Other names: c.3037G>C, p.Ala1013Pro (NM_001195227.2); c.3127G>C, p.Ala1043Pro (NM_001321281.2); c.1864G>C, p.Ala622Pro (NM_001321282.2); c.2950G>C, p.Ala984Pro (NM_001321283.2); c.2410G>C, p.Ala804Pro (NM_001321285.2); short protein forms A1043P, A622P, A1013P, A804P, A1158P, A984P.
Identifiers: ClinVar variation 2127135 (VCV002127135.4), dbSNP rs1349539108, ClinGen allele CA406773285.
Genomic context (GRCh38, chr19:49,211,025, plus strand): 5'-GGGGGTGGGTGGGCTGCGGGTGCCCCCGGTAAGAGGCCCTCCCTTCTCAGGGTGGACTTG[G>C]CACTGAAACAGCTGGGACACATCCGCGAGTACGAACAGCGCCTGAAAGTGCTGGAGCGGG-3'
Protein context (NP_060106.2, residues 1148-1168): LKRTSQKVDL[Ala1158Pro]LKQLGHIREY

ClinVar aggregate classification (germline): Uncertain significance (1 of 4 stars; one submission).

Conditions:
Progressive familial heart block type IB (PFHB1B). Identifiers: Orphanet 871, MedGen C1970298, MONDO:0011474, OMIM 604559.

Allele frequency attached by ClinVar (database versions not stated): TOPMed below 0.00001; gnomAD exomes 0.00001.

Submission:

Labcorp Genetics (formerly Invitae), Labcorp
Classification: Uncertain significance for Progressive familial heart block type IB. Last evaluated: 2022-08-04. Review status: criteria provided, single submitter. Criteria: Invitae Variant Classification Sherloc (09022015). Collection method: clinical testing. Allele origin: germline.
Comment: This sequence change replaces alanine, which is neutral and non-polar, with proline, which is neutral and non-polar, at codon 1158 of the TRPM4 protein (p.Ala1158Pro). This variant is present in population databases (no rsID available, gnomAD 0.002%). This variant has not been reported in the literature in individuals affected with TRPM4-related conditions. Algorithms developed to predict the effect of missense changes on protein structure and function are either unavailable or do not agree on the potential impact of this missense change (SIFT: "Tolerated"; PolyPhen-2: "Possibly Damaging"; Align-GVGD: "Class C0"). In summary, the available evidence is currently insufficient to determine the role of this variant in disease. Therefore, it has been classified as a Variant of Uncertain Significance.